The following is an entry in ClinVar:

ClinVar aggregate classification (germline): Uncertain significance. Review status: criteria provided, multiple submitters, no conflicts (2 of 4 stars). 2 submissions from 2 submitters: Uncertain significance (2). Last evaluated 2025-06-30.

Conditions:
Malignant hyperthermia, susceptibility to, 1 (MHS1). Also called: Anesthesia related hyperthermia; Malignant hyperpyrexia; Fulminating hyperpyrexia; Pharmacogenic myopathy; RYR1-Related Malignant Hyperthermia Susceptibility; Malignant hyperthermia suceptibility 1. Identifiers: Orphanet 423, MedGen C2930980, MONDO:0007783, OMIM 145600.

gnomAD v4.1: 1 of 1,614,132 alleles (0.000062%); highest among the groups gnomAD compares: Non-Finnish European, 0.000085%; no homozygotes.

Submissions (2):

Color Diagnostics, LLC DBA Color Health
Classification: Uncertain significance for Malignant hyperthermia, susceptibility to, 1. Last evaluated: 2025-06-30. Review status: criteria provided, single submitter. Criteria: ACMG Guidelines, 2015. Collection method: clinical testing. Allele origin: germline.
Comment: This missense variant replaces arginine with proline at codon 3582 of the RYR1 protein. Computational prediction is inconclusive regarding the impact of this variant on protein structure and function. To our knowledge, functional studies have not been reported for this variant. This variant has not been reported in individuals affected with RYR1-related disorders in the literature. This variant has been identified in 1/251140 chromosomes in the general population by the Genome Aggregation Database (gnomAD). The available evidence is insufficient to determine the role of this variant in disease conclusively. Therefore, this variant is classified as a Variant of Uncertain Significance.

All of Us Research Program, National Institutes of Health
Classification: Uncertain significance for Malignant hyperthermia, susceptibility to, 1. Last evaluated: 2023-11-02. Review status: criteria provided, single submitter. Criteria: ACMG Guidelines, 2015. Collection method: clinical testing. Allele origin: germline. Inheritance: Autosomal dominant inheritance. Observed: 2 variant alleles, 2 heterozygotes.
Comment: This missense variant replaces arginine with proline at codon 3582 of the RYR1 protein. Computational prediction is inconclusive regarding the impact of this variant on protein structure and function (internally defined REVEL score threshold 0.5 < inconclusive < 0.7, PMID: 27666373). To our knowledge, functional studies have not been reported for this variant. This variant has not been reported in individuals affected with RYR1-related disorders in the literature. This variant has been identified in 1/251140 chromosomes in the general population by the Genome Aggregation Database (gnomAD). The available evidence is insufficient to determine the role of this variant in disease conclusively. Therefore, this variant is classified as a Variant of Uncertain Significance.

This study involves interpretation of variants in research participants for the purpose of population health screening. Participant phenotype was not available at the time of variant classification. Additional details can be found in publication PMID: 35346344, PMCID: PMC8962531

NM_000540.3(RYR1):c.10745G>C (p.Arg3582Pro)

Gene: RYR1 (ryanodine receptor 1; plus strand). Cytogenetic location: 19q13.2.
Variant type: single nucleotide variant.
Coding change: c.10745G>C on transcript NM_000540.3 (MANE Select); coding-DNA position 10745, G replaced by C.
Protein change: p.Arg3582Pro; replaces arginine 3582 with proline.
Molecular consequence: missense variant.
Genome position (GRCh38, 1-based): chr19:38,527,705, G>C. VCF-style: chr19-38527705-G-C. GRCh37 (hg19) VCF-style: chr19-39018345-G-C.
Other names: c.10730G>C, p.Arg3577Pro (NM_001042723.2); short protein forms R3577P, R3582P.
Identifiers: ClinVar variation 3073588 (VCV003073588.2), dbSNP rs142491855, ClinGen allele CA405646807.